The following is an entry in ClinVar:

ClinVar aggregate classification (germline): Likely benign. Review status: criteria provided, multiple submitters, no conflicts (2 of 4 stars). 2 submissions from 2 submitters: Likely benign (2). Last evaluated 2026-09-25.

Conditions:
BBS10-related disorder. Also called: BBS10-related condition.
Bardet-Biedl syndrome (BBS). Identifiers: Orphanet 110, MedGen C0752166, MONDO:0015229.

Submissions (2):

PreventionGenetics, part of Exact Sciences
Classification: Likely benign for BBS10-related condition. Last evaluated: 2026-09-25. Review status: criteria provided, single submitter. Criteria: ACMG Guidelines, 2015. Collection method: clinical testing. Allele origin: germline.
Comment: This variant is classified as likely benign based on ACMG/AMP sequence variant interpretation guidelines (Richards et al. 2015 PMID: 25741868, with internal and published modifications).

Labcorp Genetics (formerly Invitae), Labcorp
Classification: Likely benign for Bardet-Biedl syndrome. Last evaluated: 2022-01-04. Review status: criteria provided, single submitter. Criteria: Invitae Variant Classification Sherloc (09022015). Collection method: clinical testing. Allele origin: germline.

NM_024685.4(BBS10):c.1941T>C (p.Ser647=)

Gene: BBS10 (Bardet-Biedl syndrome 10; minus strand). Cytogenetic location: 12q21.2.
Variant type: single nucleotide variant.
Coding change: c.1941T>C on transcript NM_024685.4 (MANE Select); coding-DNA position 1941, T replaced by C.
Protein change: p.Ser647=; no amino-acid change (serine 647 retained).
Molecular consequence: synonymous variant.
Genome position (GRCh38, 1-based): chr12:76,346,044, A>G on the plus strand (T>C on the coding strand, the complement: BBS10 is on the minus strand). VCF-style: chr12-76346044-A-G. GRCh37 (hg19) VCF-style: chr12-76739824-A-G.
Other names: c.1941T>C (NM_024685.3).
Identifiers: ClinVar variation 1623376 (VCV001623376.9), dbSNP rs749965019, ClinGen allele CA481011064.
Genomic context (GRCh38, chr12:76,346,044, plus strand): 5'-GGTTTGCAGTGCATGGACAGCTCTTATATATGTATGTGGAAAGCTGTACTTTCCTGTTTT[A>G]GATTTATAAAGGACTTTGGGAATGCCTAAAAGTGCATTAGCTATTATCATACTAACCATG-3'
Protein context (NP_078961.3, residues 637-657): LLGIPKVLYK[Ser647=]KTGKYSFPHT